The following is an entry in ClinVar:

ClinVar aggregate classification (germline): Uncertain significance. Review status: criteria provided, single submitter (1 of 4 stars). 2 submissions from 2 submitters: Uncertain significance (1). 1 of the submissions does not count toward it. Last evaluated 2025-06-10.

Conditions:
DNAJB11-related disorder. Also called: DNAJB11-related condition.
Inborn genetic diseases. Identifiers: MedGen C0950123, MeSH D030342.

gnomAD v4.1: 3 of 1,613,486 alleles (0.00019%); highest among the groups gnomAD compares: Non-Finnish European, 0.00025%; no homozygotes.

Submissions (2):

Ambry Genetics
Classification: Uncertain significance for Inborn genetic diseases. Last evaluated: 2025-06-10. Review status: criteria provided, single submitter. Criteria: Ambry Variant Classification Scheme 2023. Collection method: clinical testing. Allele origin: germline.

PreventionGenetics, part of Exact Sciences
Classification: Uncertain significance for DNAJB11-related condition. Last evaluated: 2024-08-02. Review status: no assertion criteria provided. Collection method: clinical testing. Allele origin: germline. Not counted in ClinVar's aggregate classification.
Comment: The DNAJB11 c.656G>C variant is predicted to result in the amino acid substitution p.Gly219Ala. To our knowledge, this variant has not been reported in the literature. This variant is reported in 0.00088% of alleles in individuals of European (Non-Finnish) descent in gnomAD. At this time, the clinical significance of this variant is uncertain due to the absence of conclusive functional and genetic evidence.

NM_016306.6(DNAJB11):c.656G>C (p.Gly219Ala)

Gene: DNAJB11 (DnaJ heat shock protein family (Hsp40) member B11; plus strand). Cytogenetic location: 3q27.3.
Variant type: single nucleotide variant.
Coding change: c.656G>C on transcript NM_016306.6 (MANE Select); coding-DNA position 656, G replaced by C.
Protein change: p.Gly219Ala; replaces glycine 219 with alanine.
Molecular consequence: missense variant. On other transcripts: non-coding transcript variant (6).
Genome position (GRCh38, 1-based): chr3:186,582,051, G>C. VCF-style: chr3-186582051-G-C. GRCh37 (hg19) VCF-style: chr3-186299840-G-C.
Other names: c.380G>C, p.Gly127Ala (NM_001378451.1); c.656G>C (NM_016306.4); short protein forms G127A, G219A.
Identifiers: ClinVar variation 3358340 (VCV003358340.2).